The following is an entry in ClinVar:

ClinVar aggregate classification (germline): Likely benign (0 of 4 stars; one submission).

Conditions:
PCDHA9-related disorder. Also called: PCDHA9-related condition.

Allele frequency attached by ClinVar (database versions not stated): gnomAD 0.00252; gnomAD exomes 0.00026; 1000 Genomes Project 30x 0.00250; TOPMed 0.00309.
gnomAD v4.1: 731 of 1,472,590 alleles (0.05%); highest among the groups gnomAD compares: African/African-American, 0.93%; 40 homozygotes.

Submission:

PreventionGenetics, part of Exact Sciences
Classification: Likely benign for PCDHA9-related condition. Last evaluated: 2021-04-12. Review status: no assertion criteria provided. Collection method: clinical testing. Allele origin: germline.
Comment: This variant is classified as likely benign based on ACMG/AMP sequence variant interpretation guidelines (Richards et al. 2015 PMID: 25741868, with internal and published modifications).

NM_031857.2(PCDHA9):c.2394+74C>A

Genes: PCDHA3 (protocadherin alpha 3; plus strand), PCDHA1 (protocadherin alpha 1; plus strand), PCDHA2 (protocadherin alpha 2; plus strand), PCDHA4 (protocadherin alpha 4; plus strand), PCDHA5 (protocadherin alpha 5; plus strand) and 5 more. Cytogenetic location: 5q31.3.
Variant type: single nucleotide variant.
Coding change: c.2394+74C>A on transcript NM_031857.2 (MANE Select); 74 bases into the intron after coding-DNA position 2394, C replaced by A.
Molecular consequence: intron variant. On other transcripts: missense variant (1).
Genome position (GRCh38, 1-based): chr5:140,850,963, C>A. VCF-style: chr5-140850963-C-A. GRCh37 (hg19) VCF-style: chr5-140230548-C-A.
Other names: c.2468C>A, p.Ala823Asp (NM_014005.5); c.2394+62279C>A (NM_018900.4); c.1602+63071C>A (NM_031411.3); c.2388+53611C>A (NM_018905.3); c.2394+47372C>A (NM_018906.3); c.2385+41391C>A (NM_018907.4); c.2352+26836C>A (NM_018908.3); c.2394+20478C>A (NM_018909.4); and 3 more; short protein forms A823D.
Identifiers: ClinVar variation 3045778 (VCV003045778.2), dbSNP rs140013560, ClinGen allele CA3450808.
Genomic context (GRCh38, chr5:140,850,963, plus strand): 5'-GCATTTTATTTATTTATATAATTTTTTTTCTTGAAAGATATTATCGATTACTCCCAGGGG[C>A]CGTTCAAATAGTTTTATTCATTTTTCTAGAAATCCAGCAGATTTTTTTTCTGATAAAGTA-3'